The following is an entry in ClinVar:

ClinVar aggregate classification (germline): Uncertain significance (1 of 4 stars; one submission).

Conditions:
Dilated cardiomyopathy 1G (CMD1G). Identifiers: Orphanet 154, MedGen C1858763, MONDO:0011400, OMIM 604145.
Autosomal recessive limb-girdle muscular dystrophy type 2J (LGMDR10). Also called: MUSCULAR DYSTROPHY, LIMB-GIRDLE, AUTOSOMAL RECESSIVE 10; Limb-girdle muscular dystrophy, type 2J. Identifiers: Orphanet 140922, MedGen C1837342, MONDO:0012127, OMIM 608807.

Allele frequency attached by ClinVar (database versions not stated): gnomAD exomes below 0.00001.
gnomAD v4.1: 1 of 1,613,782 alleles (0.000062%); highest among the groups gnomAD compares: Non-Finnish European, 0.000085%; no homozygotes.

Submission:

Labcorp Genetics (formerly Invitae), Labcorp
Classification: Uncertain significance for Dilated cardiomyopathy 1G; Autosomal recessive limb-girdle muscular dystrophy type 2J. Last evaluated: 2020-02-10. Review status: criteria provided, single submitter. Criteria: Invitae Variant Classification Sherloc (09022015). Collection method: clinical testing. Allele origin: germline.
Comment: Algorithms developed to predict the effect of missense changes on protein structure and function are unavailable for the TTN gene. The glutamine amino acid residue is found in multiple mammalian species, suggesting that this missense change does not adversely affect protein function. These predictions have not been confirmed by published functional studies and their clinical significance is uncertain. In summary, the available evidence is currently insufficient to determine the role of this variant in disease. Therefore, it has been classified as a Variant of Uncertain Significance. This sequence change replaces histidine with glutamine at codon 33641 of the TTN protein (p.His33641Gln). There is a small physicochemical difference between histidine and glutamine. This variant is not present in population databases (ExAC no frequency). This variant has not been reported in the literature in individuals with TTN-related conditions. This variant is located in the M band of TTN (PMID: 25589632). Variants in this region may be relevant for neuromuscular disorders, but have not been definitively shown to cause cardiomyopathy (PMID: 23975875).

Literature cited by the submitters: PubMed 25589632; PubMed 23975875.

NM_001267550.2(TTN):c.100923C>G (p.His33641Gln)

Genes: TTN-AS1 (TTN antisense RNA 1; plus strand), TTN (titin; minus strand). Cytogenetic location: 2q31.2.
Variant type: single nucleotide variant.
Coding change: c.100923C>G on transcript NM_001267550.2 (MANE Select); coding-DNA position 100923, C replaced by G.
Protein change: p.His33641Gln; replaces histidine 33641 with glutamine.
Molecular consequence: missense variant.
Genome position (GRCh38, 1-based): chr2:178,535,692, G>C on the plus strand (C>G on the coding strand, the complement: TTN is on the minus strand). VCF-style: chr2-178535692-G-C. GRCh37 (hg19) VCF-style: chr2-179400419-G-C.
Other names: c.96000C>G, p.His32000Gln (NM_001256850.1); c.73728C>G, p.His24576Gln (NM_003319.4); c.93219C>G, p.His31073Gln (NM_133378.4); c.74103C>G, p.His24701Gln (NM_133432.3); c.74304C>G, p.His24768Gln (NM_133437.4); short protein forms H31073Q, H32000Q, H33641Q, H24701Q, H24576Q, H24768Q.
Identifiers: ClinVar variation 853355 (VCV000853355.8), dbSNP rs1691127745, ClinGen allele CA349422416.
Genomic context (GRCh38, chr2:178,535,692, plus strand): 5'-TCTCTCTACCCCATTGGGGAAAACAAGTGATGTGAAGGATCTTGTGACAATAACTTGGTA[G>C]TGGCCATTATTGTCAATGAGATCTTGTCCTTTCTGCCAGGTGATCACAGGATCTGGTTTG-3'
Protein context (NP_001254479.2, residues 33631-33651): KGQDLIDNNG[His33641Gln]YQVIVTRSFT